The following is an entry in ClinVar:

NM_032790.4(ORAI1):c.100A>C (p.Ser34Arg)

Genes: ORAI1 (ORAI calcium release-activated calcium modulator 1; plus strand), LOC130008987 (ATAC-STARR-seq lymphoblastoid silent region 4981; plus strand). Cytogenetic location: 12q24.31.
Variant type: single nucleotide variant.
Coding change: c.100A>C on transcript NM_032790.4 (MANE Select); coding-DNA position 100, A replaced by C.
Protein change: p.Ser34Arg; replaces serine 34 with arginine.
Genome position (GRCh38, 1-based): chr12:121,626,842, A>C. VCF-style: chr12-121626842-A-C. GRCh37 (hg19) VCF-style: chr12-122064747-A-C.
Other names: p.Ser34Arg; short protein forms S34R.
Identifiers: ClinVar variation 541941 (VCV000541941.55), dbSNP rs781829024, ClinGen allele CA6837408.

ClinVar aggregate classification (germline): Conflicting classifications of pathogenicity. Review status: criteria provided, conflicting classifications (1 of 4 stars). 6 submissions from 6 submitters: Uncertain significance (4); Likely benign (2). Last evaluated 2026-02-01.

Conditions:
Combined immunodeficiency due to ORAI1 deficiency. Also called: IMMUNODEFICIENCY 9. Identifiers: Orphanet 169090, Orphanet 317428, MedGen C2748568, MONDO:0013007, OMIM 612782.
Myopathy, tubular aggregate, 2 (TAM2). Identifiers: MedGen C4014557, MONDO:0014383, OMIM 615883.

Allele frequency attached by ClinVar (database versions not stated): 1000 Genomes Project 30x 0.00047; gnomAD exomes 0.00052; TOPMed 0.00072; ExAC 0.00081; gnomAD 0.00100 and 0.00102.

Submissions (6):

Labcorp Genetics (formerly Invitae), Labcorp
Classification: Uncertain significance for Myopathy, tubular aggregate, 2; Combined immunodeficiency due to ORAI1 deficiency. Last evaluated: 2026-02-01. Review status: criteria provided, single submitter. Criteria: Invitae Variant Classification Sherloc (09022015). Collection method: clinical testing. Allele origin: germline.
Comment: This sequence change replaces serine, which is neutral and polar, with arginine, which is basic and polar, at codon 34 of the ORAI1 protein (p.Ser34Arg). This variant is present in population databases (rs781829024, gnomAD 0.1%), and has an allele count higher than expected for a pathogenic variant. This variant has not been reported in the literature in individuals affected with ORAI1-related conditions. ClinVar contains an entry for this variant (Variation ID: 541941). Algorithms developed to predict the effect of variants on gene product structure and function are not available or were not evaluated for this variant. Experimental studies have shown that this missense change affects ORAI1 function (PMID: 31036819). In summary, the available evidence is currently insufficient to determine the role of this variant in disease. Therefore, it has been classified as a Variant of Uncertain Significance.

Mayo Clinic Laboratories, Mayo Clinic
Classification: Likely benign. Last evaluated: 2024-10-16. Review status: criteria provided, single submitter. Criteria: ACMG Guidelines, 2015. Collection method: clinical testing. Allele origin: germline. Observed: 1 variant allele.
Comment: BS1, BP4

Center for Genomics, Ann and Robert H. Lurie Children's Hospital of Chicago
Classification: Uncertain significance for Combined immunodeficiency due to ORAI1 deficiency; Myopathy, tubular aggregate, 2. Last evaluated: 2020-06-30. Review status: criteria provided, single submitter. Criteria: ACMG Guidelines, 2015. Collection method: clinical testing. Allele origin: germline.
Comment: ORAI1 NM_032790.3 exon 1 p.Ser34Arg (c.100A>C): This variant has not been reported in the literature in association with human disease, but is present in 0.1% (71/52582) of European alleles in the Genome Aggregation Database. This variant is present in ClinVar (Variation ID:541941). Evolutionary conservation suggests that this variant may impact the protein; computational predictive tools suggest that this variant may not impact the protein. In vitro functional studies predict that this variant will impact the protein (Zhang 2019 PMID:31036819). However, these studies may not accurately represent in vivo biological function. In summary, data on this variant is insufficient for disease classification. Therefore, the clinical significance of this variant is uncertain.

CeGaT Center for Human Genetics Tuebingen
Classification: Uncertain significance. Last evaluated: 2020-03-01. Review status: criteria provided, single submitter. Criteria: CeGaT Center For Human Genetics Tuebingen Variant Classification Criteria Version 2. Collection method: clinical testing. Allele origin: germline. Affected: yes. Observed: 2 variant alleles.

GeneDx
Classification: Likely benign. Last evaluated: 2018-04-24. Review status: criteria provided, single submitter. Criteria: GeneDx Variant Classification (06012015). Collection method: clinical testing. Allele origin: germline. Affected: yes.
Comment: This variant is considered likely benign or benign based on one or more of the following criteria: it is a conservative change, it occurs at a poorly conserved position in the protein, it is predicted to be benign by multiple in silico algorithms, and/or has population frequency not consistent with disease.

Baylor Genetics
Classification: Uncertain significance for Combined immunodeficiency due to ORAI1 deficiency. Last evaluated: 2018-04-18. Review status: criteria provided, single submitter. Criteria: ACMG Guidelines, 2015. Collection method: clinical testing. Allele origin: unknown. Affected: yes.
Comment: This variant was determined to be of uncertain significance according to ACMG Guidelines, 2015 [PMID:25741868].

Literature cited by the submitters: PubMed 31036819 (cited by Labcorp Genetics (formerly Invitae), Labcorp).